The following is an entry in ClinVar:

ClinVar aggregate classification (germline): Pathogenic (1 of 4 stars; one submission).

Conditions:
Phenylketonuria (PKU). Also called: OLIGOPHRENIA PHENYLPYRUVICA; Phenylketonuria (PKU); Phenylketonurias; FOLLING DISEASE. Identifiers: Orphanet 716, MedGen C0031485, MONDO:0009861, OMIM 261600. Disease mechanism: loss of function.

Submission:

Labcorp Genetics (formerly Invitae), Labcorp
Classification: Pathogenic for Phenylketonuria. Last evaluated: 2019-10-02. Review status: criteria provided, single submitter. Criteria: Invitae Variant Classification Sherloc (09022015). Collection method: clinical testing. Allele origin: germline.
Comment: For these reasons, this variant has been classified as Pathogenic. Loss-of-function variants in PAH are known to be pathogenic (PMID: 1301187, 9634518). This variant has not been reported in the literature in individuals with PAH-related conditions. This variant is not present in population databases (ExAC no frequency). This sequence change creates a premature translational stop signal (p.Pro122Glnfs*73) in the PAH gene. It is expected to result in an absent or disrupted protein product.

Literature cited by the submitters: PubMed 1301187; PubMed 9634518.

NM_000277.3(PAH):c.365del (p.Pro122fs)

Gene: PAH (phenylalanine hydroxylase; minus strand). Cytogenetic location: 12q23.2.
Variant type: Deletion.
Coding change: c.365del on transcript NM_000277.3 (MANE Select); coding-DNA position 365, one base deleted (C; older notation c.365delC).
Protein change: p.Pro122fs; shifts the reading frame from proline 122.
Molecular consequence: frameshift variant.
Genome position (GRCh38, 1-based): chr12:102,877,538, G deleted on the plus strand (C on the coding strand, the reverse complement: PAH is on the minus strand); the first of 3 consecutive G bases (chr12:102,877,538-102,877,540); deleting any one gives the same sequence. VCF-style (leftmost placement, unchanged base first): chr12-102877537-TG-T. GRCh37 (hg19) VCF-style: chr12-103271315-TG-T.
Other names: c.365del, p.Pro122fs (NM_001354304.2); short protein forms P122fs.
Identifiers: ClinVar variation 970389 (VCV000970389.7), dbSNP rs1876626818, ClinGen allele CA1139660759.
Genomic context (GRCh38, chr12:102,877,537, plus strand): 5'-CAGTTCCGCTCCATAGCTGAGAATCTGATTGGCAAATCTGTCCAGCTCTTGAATGGTTCT[TG>T]GGAACCAGGGCACTGAAACACAGAGAAGGCAACGTCCTGAGTACAGATTGGCAGAACATG-3'